The following is an entry in ClinVar:

NM_003238.6(TGFB2):c.128_131dup (p.Leu45fs)

Gene: TGFB2 (transforming growth factor beta 2; plus strand). Cytogenetic location: 1q41.
Variant type: Duplication.
Coding change: c.128_131dup on transcript NM_003238.6 (MANE Select); coding-DNA positions 128 to 131, 4 bases duplicated (AGAT; older notation c.128_131dupAGAT).
Protein change: p.Leu45fs; shifts the reading frame from leucine 45.
Molecular consequence: frameshift variant. On other transcripts: non-coding transcript variant (2).
Genome position (GRCh38, 1-based): chr1:218,346,829-218,346,832, AGAT duplicated. VCF-style (leftmost placement, unchanged base first): chr1-218346828-C-CAGAT. GRCh37 (hg19) VCF-style: chr1-218520170-C-CAGAT.
Other names: c.128_131dup, p.Leu45fs (NM_001135599.4); short protein forms L45fs.
Identifiers: ClinVar variation 3806397 (VCV003806397.2).

ClinVar aggregate classification (germline): Pathogenic. Review status: criteria provided, multiple submitters, no conflicts (2 of 4 stars). 2 submissions from 2 submitters: Pathogenic (2). Last evaluated 2025-07-29.

Conditions:
Familial thoracic aortic aneurysm and aortic dissection (TAAD). Also called: Thoracic aortic aneurysms and dissections. Identifiers: Orphanet 91387, MedGen C4707243, MONDO:0019625.
Loeys-Dietz syndrome 4 (LDS4). Also called: TGFB2-Related Loeys-Dietz Syndrome; ANEURYSM, AORTIC AND CEREBRAL, WITH ARTERIAL TORTUOSITY AND SKELETAL MANIFESTATIONS. Identifiers: MedGen C3553762, MONDO:0013897, OMIM 614816.

Submissions (2):

Labcorp Genetics (formerly Invitae), Labcorp
Classification: Pathogenic for Loeys-Dietz syndrome 4. Last evaluated: 2025-07-29. Review status: criteria provided, single submitter. Criteria: Invitae Variant Classification Sherloc (09022015). Collection method: clinical testing. Allele origin: germline.
Comment: This sequence change creates a premature translational stop signal (p.Leu45Aspfs*16) in the TGFB2 gene. It is expected to result in an absent or disrupted protein product. Loss-of-function variants in TGFB2 are known to be pathogenic (PMID: 22772368, 22772371, 30739908). This variant is not present in population databases (gnomAD no frequency). This variant has not been reported in the literature in individuals affected with TGFB2-related conditions. ClinVar contains an entry for this variant (Variation ID: 3806397). For these reasons, this variant has been classified as Pathogenic.

Ambry Genetics
Classification: Pathogenic for Familial thoracic aortic aneurysm and aortic dissection. Last evaluated: 2024-12-17. Review status: criteria provided, single submitter. Criteria: Ambry Variant Classification Scheme 2023. Collection method: clinical testing. Allele origin: germline.
Comment: The c.128_131dupAGAT pathogenic mutation, located in coding exon 1 of the TGFB2 gene, results from a duplication of AGAT at nucleotide position 128, causing a translational frameshift with a predicted alternate stop codon (p.L45Dfs*16). This variant is considered to be rare based on population cohorts in the Genome Aggregation Database (gnomAD). This alteration is expected to result in loss of function by premature protein truncation or nonsense-mediated mRNA decay. As such, this alteration is interpreted as a disease-causing mutation.

Literature cited by the submitters: PubMed 22772368 (cited by Labcorp Genetics (formerly Invitae), Labcorp); PubMed 22772371 (cited by Labcorp Genetics (formerly Invitae), Labcorp); PubMed 30739908 (cited by Labcorp Genetics (formerly Invitae), Labcorp).